The following is an entry in ClinVar:

NM_020774.4(MIB1):c.2388A>T (p.Lys796Asn)

Gene: MIB1 (MIB E3 ubiquitin protein ligase 1; plus strand). Cytogenetic location: 18q11.2.
Variant type: single nucleotide variant.
Coding change: c.2388A>T on transcript NM_020774.4 (MANE Select); coding-DNA position 2388, A replaced by T.
Protein change: p.Lys796Asn; replaces lysine 796 with asparagine.
Molecular consequence: missense variant.
Genome position (GRCh38, 1-based): chr18:21,847,120, A>T. VCF-style: chr18-21847120-A-T. GRCh37 (hg19) VCF-style: chr18-19427081-A-T.
Other names: short protein forms K796N.
Identifiers: ClinVar variation 3872833 (VCV003872833.1).

ClinVar aggregate classification (germline): Uncertain significance (1 of 4 stars; one submission).

Conditions:
Inborn genetic diseases. Identifiers: MedGen C0950123, MeSH D030342.

Submission:

Ambry Genetics
Classification: Uncertain significance for Inborn genetic diseases. Last evaluated: 2025-01-28. Review status: criteria provided, single submitter. Criteria: Ambry Variant Classification Scheme 2023. Collection method: clinical testing. Allele origin: germline.
Comment: The p.K796N variant (also known as c.2388A>T), located in coding exon 16 of the MIB1 gene, results from an A to T substitution at nucleotide position 2388. The lysine at codon 796 is replaced by asparagine, an amino acid with similar properties. This amino acid position is conserved. In addition, this alteration is predicted to be tolerated by in silico analysis. Based on the available evidence, the clinical significance of this variant remains unclear.